The following is an entry in ClinVar:

ClinVar aggregate classification (germline): Uncertain significance (1 of 4 stars; one submission).

gnomAD v4.1: 5 of 1,614,158 alleles (0.00031%); highest among the groups gnomAD compares: Middle Eastern, 0.016%; no homozygotes.

Submission:

Dasa
Classification: Uncertain significance. Last evaluated: 2025-02-18. Review status: criteria provided, single submitter. Criteria: DASA Assertion Criteria. Collection method: clinical testing. Allele origin: germline.
Comment: NM_001982.4(ERBB3):c.2701G>A (p.Val901Ile) is a missense variant that results in the substitution of valine with isoleucine. This variant is rare in population databases. Computational prediction algorithms are consistent with a benign effect. The currently available literature and clinical evidence are not sufficient to establish a definitive association between this variant and the reported condition. Therefore, this variant is classified as a variant of uncertain significance.

NM_001982.4(ERBB3):c.2701G>A (p.Val901Ile)

Gene: ERBB3 (erb-b2 receptor tyrosine kinase 3; plus strand). Cytogenetic location: 12q13.2.
Variant type: single nucleotide variant.
Coding change: c.2701G>A on transcript NM_001982.4 (MANE Select); coding-DNA position 2701, G replaced by A.
Protein change: p.Val901Ile; replaces valine 901 with isoleucine.
Molecular consequence: missense variant.
Genome position (GRCh38, 1-based): chr12:56,098,767, G>A. VCF-style: chr12-56098767-G-A. GRCh37 (hg19) VCF-style: chr12-56492551-G-A.
Other names: short protein forms V901I.
Identifiers: ClinVar variation 4885740 (VCV004885740.2).